The following is an entry in ClinVar:

NM_002180.3(IGHMBP2):c.325del (p.Val109fs)

Gene: IGHMBP2 (immunoglobulin mu DNA binding protein 2; plus strand). Cytogenetic location: 11q13.3.
Variant type: Deletion.
Coding change: c.325del on transcript NM_002180.3 (MANE Select); coding-DNA position 325, one base deleted (G; older notation c.325delG).
Protein change: p.Val109fs; shifts the reading frame from valine 109.
Molecular consequence: frameshift variant.
Genome position (GRCh38, 1-based): chr11:68,908,213, G deleted; the last of 3 consecutive G bases (chr11:68,908,211-68,908,213); deleting any one gives the same sequence. VCF-style (leftmost placement, unchanged base first): chr11-68908210-CG-C. GRCh37 (hg19) VCF-style: chr11-68675678-CG-C.
Other names: short protein forms V109fs.
Identifiers: ClinVar variation 3898675 (VCV003898675.7).

ClinVar aggregate classification (germline): Pathogenic (1 of 4 stars; one submission).

Submission:

CeGaT Center for Human Genetics Tuebingen
Classification: Pathogenic. Last evaluated: 2025-04-01. Review status: criteria provided, single submitter. Criteria: CeGaT Center For Human Genetics Tuebingen Variant Classification Criteria Version 2. Collection method: clinical testing. Allele origin: germline. Affected: yes. Observed: 1 variant allele.
Comment: IGHMBP2: PVS1, PM2